The following is an entry in ClinVar:

ClinVar aggregate classification (germline): Pathogenic (1 of 4 stars; one submission).

Conditions:
Tay-Sachs disease (TSD). Also called: HEXA DEFICIENCY; Hexosaminidase A Deficiency; GM2 gangliosidosis, type 1; Hexosaminidase alpha-subunit deficiency (variant B); Sphingolipidosis, Tay-Sachs; HEXA Disorders. Identifiers: Orphanet 845, MedGen C0039373, MONDO:0010100, OMIM 272800.

Submission:

Myriad Genetics, Inc.
Classification: Pathogenic for Tay-Sachs disease. Last evaluated: 2026-07-17. Review status: criteria provided, single submitter. Criteria: Myriad Autosomal Dominant, Autosomal Recessive and X-Linked Classification Criteria (2023). Collection method: clinical testing. Allele origin: unknown.
Comment: NM_000520.4(HEXA):c.143_149dup7(S51Rfs*22) is a frameshift variant classified as pathogenic in the context of hexosaminidase A deficiency. S51Rfs*22 has not been observed in cases with relevant disease. Relevant functional assessments of this variant are not available in the literature. S51Rfs*22 has not been observed in referenced population frequency databases. In summary, NM_000520.4(HEXA):c.143_149dup7(S51Rfs*22) is a frameshift variant in a gene where loss of function is a known mechanism of disease and is predicted to disrupt protein function. Please note: this variant was assessed in the context of healthy population screening.

NM_000520.6(HEXA):c.143_149dup (p.Ser51fs)

Gene: HEXA (hexosaminidase subunit alpha; minus strand). Cytogenetic location: 15q23.
Variant type: Duplication.
Coding change: c.143_149dup on transcript NM_000520.6 (MANE Select); coding-DNA positions 143 to 149, 7 bases duplicated (ACGATGT; older notation c.143_149dupACGATGT).
Protein change: p.Ser51fs; shifts the reading frame from serine 51.
Molecular consequence: frameshift variant. On other transcripts: non-coding transcript variant (1).
Genome position (GRCh38, 1-based): chr15:72,375,824-72,375,830, ACATCGT duplicated on the plus strand (ACGATGT on the coding strand, the reverse complement: HEXA is on the minus strand); duplicating any 7 consecutive bases within chr15:72,375,824-72,375,832 gives the same sequence; the c. name uses the placement nearest the transcript's 3' end. VCF-style (leftmost placement, unchanged base first): chr15-72375823-G-GACATCGT. GRCh37 (hg19) VCF-style: chr15-72668164-G-GACATCGT.
Other names: c.143_149dup, p.Ser51fs (NM_001318825.2); short protein forms S51fs.
Identifiers: ClinVar variation 5004795 (VCV005004795.1).